The following is an entry in ClinVar:

ClinVar aggregate classification (germline): Uncertain significance (1 of 4 stars; one submission).

Submission:

GeneDx
Classification: Uncertain significance. Last evaluated: 2024-06-03. Review status: criteria provided, single submitter. Criteria: GeneDx Variant Classification Process June 2021. Collection method: clinical testing. Allele origin: germline. Affected: yes.
Comment: Not observed at significant frequency in large population cohorts (gnomAD); In silico analysis supports that this missense variant has a deleterious effect on protein structure/function; Has not been previously published as pathogenic or benign to our knowledge

NM_001378609.3(OTOGL):c.6149C>T (p.Pro2050Leu)

Gene: OTOGL (otogelin like; plus strand). Cytogenetic location: 12q21.31.
Variant type: single nucleotide variant.
Coding change: c.6149C>T on transcript NM_001378609.3 (MANE Select); coding-DNA position 6149, C replaced by T.
Protein change: p.Pro2050Leu; replaces proline 2050 with leucine.
Molecular consequence: missense variant.
Genome position (GRCh38, 1-based): chr12:80,358,698, C>T. VCF-style: chr12-80358698-C-T. GRCh37 (hg19) VCF-style: chr12-80752478-C-T.
Other names: c.6014C>T, p.Pro2005Leu (NM_001368062.3); c.6149C>T, p.Pro2050Leu (NM_001378610.3, NM_173591.7); short protein forms P2005L, P2050L.
Identifiers: ClinVar variation 3384439 (VCV003384439.1).